The following is an entry in ClinVar:

ClinVar aggregate classification (germline): Uncertain significance (1 of 4 stars; one submission).

Submission:

Labcorp Genetics (formerly Invitae), Labcorp
Classification: Uncertain significance. Last evaluated: 2023-09-30. Review status: criteria provided, single submitter. Criteria: Invitae Variant Classification Sherloc (09022015). Collection method: clinical testing. Allele origin: germline.
Comment: This variant has not been reported in the literature in individuals affected with DDX41-related conditions. Algorithms developed to predict the effect of sequence changes on RNA splicing suggest that this variant may disrupt the consensus splice site. In summary, the available evidence is currently insufficient to determine the role of this variant in disease. Therefore, it has been classified as a Variant of Uncertain Significance. This variant is not present in population databases (gnomAD no frequency). This sequence change falls in intron 7 of the DDX41 gene. It does not directly change the encoded amino acid sequence of the DDX41 protein.

NM_016222.4(DDX41):c.645-15A>T

Gene: DDX41 (DEAD-box helicase 41; minus strand). Cytogenetic location: 5q35.3.
Variant type: single nucleotide variant.
Coding change: c.645-15A>T on transcript NM_016222.4 (MANE Select); 15 bases into the intron before coding-DNA position 645, A replaced by T.
Molecular consequence: intron variant.
Genome position (GRCh38, 1-based): chr5:177,515,084, T>A on the plus strand (A>T on the coding strand, the complement: DDX41 is on the minus strand). VCF-style: chr5-177515084-T-A. GRCh37 (hg19) VCF-style: chr5-176942085-T-A.
Other names: c.267-15A>T (NM_001321830.2, NM_001321732.2).
Identifiers: ClinVar variation 2764621 (VCV002764621.3), dbSNP rs1229250099, ClinGen allele CA2697546583.